The following is an entry in ClinVar:

NM_001166114.2(PNPLA6):c.1253-6C>T

Gene: PNPLA6 (patatin like domain 6, lysophospholipase; plus strand). Cytogenetic location: 19p13.2.
Variant type: single nucleotide variant.
Coding change: c.1253-6C>T on transcript NM_001166114.2 (MANE Select); 6 bases into the intron before coding-DNA position 1253, C replaced by T.
Molecular consequence: intron variant.
Genome position (GRCh38, 1-based): chr19:7,542,555, C>T. VCF-style: chr19-7542555-C-T. GRCh37 (hg19) VCF-style: chr19-7607441-C-T.
Other names: p.?; c.1136-6C>T (NM_006702.5, NM_001166112.2, NM_001166113.1); c.1280-6C>T (NM_001166111.2).
Identifiers: ClinVar variation 330520 (VCV000330520.23), dbSNP rs574930, ClinGen allele CA9139743.
Genomic context (GRCh38, chr19:7,542,555, plus strand): 5'-TGGCTCATTTTTTAAAAATCTTACTCTCATCTTTATGGTTTTTGTTGCCCCCCTGCCTGC[C>T]TGCAGGCTTGCAGGGTGGCCCCCGCTCCGACTTCGACATGGCCTATGAGCGTGGCCGGAT-3'

ClinVar aggregate classification (germline): Benign. Review status: criteria provided, multiple submitters, no conflicts (2 of 4 stars). 12 submissions from 9 submitters: Benign (10). 2 of the submissions do not count toward it. Last evaluated 2026-02-04.

Conditions:
Hereditary spastic paraplegia 39 (SPG39). Also called: SPASTIC PARAPLEGIA 39, AUTOSOMAL RECESSIVE; Spastic Paraplegia Type 39 (SPG39). Identifiers: Orphanet 139480, MedGen C2677586, MONDO:0012787, OMIM 612020.
Laurence-Moon syndrome (LNMS). Also called: PNPLA6-Related Laurence-Moon Syndrome (LMS). Identifiers: Orphanet 2377, MedGen C0023138, MONDO:0009514, OMIM 245800.
Trichomegaly-retina pigmentary degeneration-dwarfism syndrome (OMCS). Also called: OLIVER-MCFARLANE SYNDROME; Oliver-McFarlane Syndrome (OMCS); Eyelashes long mental retardation; Trichomegaly retina pigmentary degeneration dwarfism. Identifiers: Orphanet 3363, MedGen C1848745, MONDO:0010152, OMIM 275400.
Ataxia-hypogonadism-choroidal dystrophy syndrome (BNHS). Also called: Boucher-Neuhäuser Syndrome (BNS); Chorioretinal dystrophy, spinocerebellar ataxia and hypogonadotropic hypogonadism. Identifiers: Orphanet 1180, MedGen C1859093, MONDO:0008980, OMIM 215470.

Allele frequency attached by ClinVar (database versions not stated): 1000 Genomes Project 0.24381; 1000 Genomes Project 30x 0.24953; gnomAD exomes 0.27300 and 0.31472; ExAC 0.28137; gnomAD 0.31401 and 0.32237; TOPMed 0.31550; ESP Exome Variant Server 0.34512.
gnomAD v4.1: 506,402 of 1,609,758 alleles (31%); highest among the groups gnomAD compares: Middle Eastern, 41%; 84,423 homozygotes.

Submissions (12):

Labcorp Genetics (formerly Invitae), Labcorp
Classification: Benign for Hereditary spastic paraplegia 39. Last evaluated: 2026-02-04. Review status: criteria provided, single submitter. Criteria: Invitae Variant Classification Sherloc (09022015). Collection method: clinical testing. Allele origin: germline.

Blueprint Genetics
Classification: Benign. Last evaluated: 2024-11-28. Review status: criteria provided, single submitter. Criteria: ACMG Guidelines, 2015. Collection method: clinical testing. Allele origin: germline.

Genome-Nilou Lab
Classification: Benign for Laurence-Moon syndrome. Last evaluated: 2021-10-25. Review status: criteria provided, single submitter. Criteria: ACMG Guidelines, 2015. Collection method: clinical testing. Allele origin: germline. Affected: no.

Genome-Nilou Lab
Classification: Benign for Ataxia-hypogonadism-choroidal dystrophy syndrome. Last evaluated: 2021-10-25. Review status: criteria provided, single submitter. Criteria: ACMG Guidelines, 2015. Collection method: clinical testing. Allele origin: germline. Affected: no.

Genome-Nilou Lab
Classification: Benign for Trichomegaly-retina pigmentary degeneration-dwarfism syndrome. Last evaluated: 2021-10-25. Review status: criteria provided, single submitter. Criteria: ACMG Guidelines, 2015. Collection method: clinical testing. Allele origin: germline. Affected: no.

Genome-Nilou Lab
Classification: Benign for Hereditary spastic paraplegia 39. Last evaluated: 2021-10-25. Review status: criteria provided, single submitter. Criteria: ACMG Guidelines, 2015. Collection method: clinical testing. Allele origin: germline. Affected: no.

Illumina Laboratory Services, Illumina
Classification: Benign for Hereditary spastic paraplegia 39. Last evaluated: 2018-01-13. Review status: criteria provided, single submitter. Criteria: ICSL Variant Classification Criteria 13 December 2019. Collection method: clinical testing. Allele origin: germline.
Comment: This variant was observed in the ICSL laboratory as part of a predisposition screen in an ostensibly healthy population. It had not been previously curated by ICSL or reported in the Human Gene Mutation Database (HGMD: prior to June 1st, 2018), and was therefore a candidate for classification through an automated scoring system. Utilizing variant allele frequency, disease prevalence and penetrance estimates, and inheritance mode, an automated score was calculated to assess if this variant is too frequent to cause the disease. Based on the score and internal cut-off values, a variant classified as benign is not then subjected to further curation. The score for this variant resulted in a classification of benign for this disease.

Mayo Clinic Laboratories, Mayo Clinic
Classification: Benign. Last evaluated: 2017-11-15. Review status: criteria provided, single submitter. Criteria: ACMG Guidelines, 2015. Collection method: clinical testing. Allele origin: germline. Observed: 1,118 variant alleles.

GeneDx
Classification: Benign. Last evaluated: 2016-02-01. Review status: criteria provided, single submitter. Criteria: GeneDx Variant Classification (06012015). Collection method: clinical testing. Allele origin: germline. Affected: yes.
Comment: This variant is considered likely benign or benign based on one or more of the following criteria: it is a conservative change, it occurs at a poorly conserved position in the protein, it is predicted to be benign by multiple in silico algorithms, and/or has population frequency not consistent with disease.

Breakthrough Genomics
Classification: Benign. Review status: criteria provided, single submitter. Criteria: ACMG Guidelines, 2015. Collection method: not provided. Allele origin: germline. Inheritance: Autosomal recessive inheritance. Affected: yes.

Diagnostic Laboratory, Department of Genetics, University Medical Center Groningen
Classification: Benign. Review status: no assertion criteria provided. Collection method: clinical testing. Allele origin: germline. Affected: yes. Study: VKGL Data-share Consensus. Not counted in ClinVar's aggregate classification.

Joint Genome Diagnostic Labs from Nijmegen and Maastricht, Radboudumc and MUMC+
Classification: Benign. Review status: no assertion criteria provided. Collection method: clinical testing. Allele origin: germline. Affected: yes. Study: VKGL Data-share Consensus. Not counted in ClinVar's aggregate classification.